The following is an entry in ClinVar:

ClinVar aggregate classification (germline): Uncertain significance (1 of 4 stars; one submission).

Allele frequency attached by ClinVar (database versions not stated): gnomAD exomes below 0.00001.
gnomAD v4.1: 7 of 1,614,000 alleles (0.00043%); highest among the groups gnomAD compares: South Asian, 0.0011%; no homozygotes.

Submission:

Labcorp Genetics (formerly Invitae), Labcorp
Classification: Uncertain significance. Last evaluated: 2021-09-01. Review status: criteria provided, single submitter. Criteria: Invitae Variant Classification Sherloc (09022015). Collection method: clinical testing. Allele origin: germline.
Comment: This variant is not present in population databases (ExAC no frequency). This sequence change replaces asparagine with serine at codon 120 of the PTPN23 protein (p.Asn120Ser). The asparagine residue is highly conserved and there is a small physicochemical difference between asparagine and serine. This variant has not been reported in the literature in individuals affected with PTPN23-related conditions. Algorithms developed to predict the effect of missense changes on protein structure and function are either unavailable or do not agree on the potential impact of this missense change (SIFT: "Deleterious"; PolyPhen-2: "Not Available"; Align-GVGD: "Class C0"). Algorithms developed to predict the effect of sequence changes on RNA splicing suggest that this variant may create or strengthen a splice site. In summary, the available evidence is currently insufficient to determine the role of this variant in disease. Therefore, it has been classified as a Variant of Uncertain Significance.

NM_015466.4(PTPN23):c.359A>G (p.Asn120Ser)

Gene: PTPN23 (protein tyrosine phosphatase non-receptor type 23; plus strand). Cytogenetic location: 3p21.31.
Variant type: single nucleotide variant.
Coding change: c.359A>G on transcript NM_015466.4 (MANE Select); coding-DNA position 359, A replaced by G.
Protein change: p.Asn120Ser; replaces asparagine 120 with serine.
Molecular consequence: missense variant. On other transcripts: 5 prime UTR variant (1).
Genome position (GRCh38, 1-based): chr3:47,405,076, A>G. VCF-style: chr3-47405076-A-G. GRCh37 (hg19) VCF-style: chr3-47446566-A-G.
Other names: c.-20A>G (NM_001304482.2); short protein forms N120S.
Identifiers: ClinVar variation 1476339 (VCV001476339.6), dbSNP rs2107713533, ClinGen allele CA352541523.